The following is an entry in ClinVar:

NM_014915.3(ANKRD26):c.3602A>G (p.Asn1201Ser)

Gene: ANKRD26 (ankyrin repeat domain 26; minus strand). Cytogenetic location: 10p12.1.
Variant type: single nucleotide variant.
Coding change: c.3602A>G on transcript NM_014915.3 (MANE Select); coding-DNA position 3602, A replaced by G.
Protein change: p.Asn1201Ser; replaces asparagine 1201 with serine.
Molecular consequence: missense variant.
Genome position (GRCh38, 1-based): chr10:27,034,848, T>C on the plus strand (A>G on the coding strand, the complement: ANKRD26 is on the minus strand). VCF-style: chr10-27034848-T-C. GRCh37 (hg19) VCF-style: chr10-27323777-T-C.
Other names: c.3599A>G, p.Asn1200Ser (NM_001256053.2); short protein forms N1200S, N1201S.
Identifiers: ClinVar variation 1304760 (VCV001304760.12), dbSNP rs376117945, ClinGen allele CA5448015.

ClinVar aggregate classification (germline): Uncertain significance. Review status: criteria provided, multiple submitters, no conflicts (2 of 4 stars). 3 submissions from 3 submitters: Uncertain significance (3). Last evaluated 2025-06-10.

Conditions:
Inborn genetic diseases. Identifiers: MedGen C0950123, MeSH D030342.

Allele frequency attached by ClinVar (database versions not stated): TOPMed 0.00006; ExAC 0.00007; gnomAD 0.00007 and 0.00008; gnomAD exomes 0.00009 and 0.00017.
gnomAD v4.1: 250 of 1,612,308 alleles (0.016%); highest among the groups gnomAD compares: Non-Finnish European, 0.021%; no homozygotes.

Submissions (3):

Labcorp Genetics (formerly Invitae), Labcorp
Classification: Uncertain significance. Last evaluated: 2025-06-10. Review status: criteria provided, single submitter. Criteria: Invitae Variant Classification Sherloc (09022015). Collection method: clinical testing. Allele origin: germline.
Comment: This sequence change replaces asparagine, which is neutral and polar, with serine, which is neutral and polar, at codon 1201 of the ANKRD26 protein (p.Asn1201Ser). The frequency data for this variant in the population databases is considered unreliable, as metrics indicate poor data quality at this position in the gnomAD database. This variant has not been reported in the literature in individuals affected with ANKRD26-related conditions. ClinVar contains an entry for this variant (Variation ID: 1304760). An algorithm developed to predict the effect of missense changes on protein structure and function outputs the following: PolyPhen-2: "Benign". The serine amino acid residue is found in multiple mammalian species, which suggests that this missense change does not adversely affect protein function. In summary, the available evidence is currently insufficient to determine the role of this variant in disease. Therefore, it has been classified as a Variant of Uncertain Significance.

Ambry Genetics
Classification: Uncertain significance for Inborn genetic diseases. Last evaluated: 2024-11-23. Review status: criteria provided, single submitter. Criteria: Ambry Variant Classification Scheme 2023. Collection method: clinical testing. Allele origin: germline.
Comment: The p.N1201S variant (also known as c.3602A>G), located in coding exon 24 of the ANKRD26 gene, results from an A to G substitution at nucleotide position 3602. The asparagine at codon 1201 is replaced by serine, an amino acid with highly similar properties. This amino acid position is conserved. In addition, this alteration is predicted to be tolerated by in silico analysis. Based on the available evidence, the clinical significance of this variant remains unclear.

GeneDx
Classification: Uncertain significance. Last evaluated: 2024-08-06. Review status: criteria provided, single submitter. Criteria: GeneDx Variant Classification Process June 2021. Collection method: clinical testing. Allele origin: germline. Affected: yes.
Comment: Has not been previously published as pathogenic or benign to our knowledge; In silico analysis supports that this missense variant has a deleterious effect on protein structure/function